The following is an entry in ClinVar:

ClinVar aggregate classification (germline): Likely benign (1 of 4 stars; one submission).

Conditions:
Autosomal recessive polycystic kidney disease (ARPKD). Also called: AR polycystic kidney disease. Identifiers: Orphanet 731, Orphanet 8378, MedGen C0085548, MeSH D017044, MONDO:0009889.

Allele frequency attached by ClinVar (database versions not stated): gnomAD 0.01132 and 0.01221; 1000 Genomes Project 30x 0.01171; 1000 Genomes Project 0.01178; TOPMed 0.01190.

Submission:

Illumina Laboratory Services, Illumina
Classification: Likely benign for Polycystic kidney disease 4. Last evaluated: 2018-01-13. Review status: criteria provided, single submitter. Criteria: ICSL Variant Classification Criteria 13 December 2019. Collection method: clinical testing. Allele origin: germline.
Comment: This variant was observed in the ICSL laboratory as part of a predisposition screen in an ostensibly healthy population. It had not been previously curated by ICSL or reported in the Human Gene Mutation Database (HGMD: prior to June 1st, 2018), and was therefore a candidate for classification through an automated scoring system. Utilizing variant allele frequency, disease prevalence and penetrance estimates, and inheritance mode, an automated score was calculated to assess if this variant is too frequent to cause the disease. Based on the score and internal cut-off values, a variant classified as likely benign is not then subjected to further curation. The score for this variant resulted in a classification of likely benign for this disease.

NM_138694.4(PKHD1):c.*1637G>A

Gene: PKHD1 (PKHD1 ciliary IPT domain containing fibrocystin/polyductin; minus strand). Cytogenetic location: 6p12.3.
Variant type: single nucleotide variant.
Coding change: c.*1637G>A on transcript NM_138694.4 (MANE Select); 1637 bases downstream of the stop codon, G replaced by A.
Molecular consequence: 3 prime UTR variant.
Genome position (GRCh38, 1-based): chr6:51,617,444, C>T on the plus strand (G>A on the coding strand, the complement: PKHD1 is on the minus strand). VCF-style: chr6-51617444-C-T. GRCh37 (hg19) VCF-style: chr6-51482242-C-T.
Identifiers: ClinVar variation 911903 (VCV000911903.4), dbSNP rs77227361, ClinGen allele CA138871493.
Genomic context (GRCh38, chr6:51,617,444, plus strand): 5'-TTTGTTTTTCGTTTTTAATTCTGTTGGTGCCCAAGCAAAATACATCATCTACAAAGAGGA[C>T]TTACTCAGCATGGCAGCCAGCTTGTGCCTCCAGAGTAAACGTCTATAAACCAACTTCTTG-3'